The following is an entry in ClinVar:

ClinVar aggregate classification (germline): Uncertain significance. Review status: criteria provided, single submitter (1 of 4 stars). 2 submissions from 2 submitters: Uncertain significance (1). 1 of the submissions does not count toward it. Last evaluated 2021-06-11.

Conditions:
SEMA3F-related disorder. Also called: SEMA3F-related condition.

Allele frequency attached by ClinVar (database versions not stated): TOPMed 0.00020; gnomAD 0.00023; 1000 Genomes Project 30x 0.00031; ESP Exome Variant Server 0.00031; ExAC 0.00034; gnomAD exomes 0.00036.

Submissions (2):

Ambry Genetics
Classification: Uncertain significance. Last evaluated: 2021-06-11. Review status: criteria provided, single submitter. Criteria: Ambry Variant Classification Scheme 2023. Collection method: clinical testing. Allele origin: germline.

PreventionGenetics, part of Exact Sciences
Classification: Uncertain significance for SEMA3F-related condition. Last evaluated: 2023-11-27. Review status: no assertion criteria provided. Collection method: clinical testing. Allele origin: germline. Not counted in ClinVar's aggregate classification.
Comment: The SEMA3F c.368A>G variant is predicted to result in the amino acid substitution p.Gln123Arg. To our knowledge, this variant has not been reported in the literature. This variant is reported in 0.051% of alleles in individuals of European (Non-Finnish) descent in gnomAD, which is likely too common to be a primary cause of disease. Although we suspect this variant may be benign, at this time, the clinical significance is uncertain due to the absence of conclusive functional and genetic evidence.

NM_004186.5(SEMA3F):c.368A>G (p.Gln123Arg)

Gene: SEMA3F (semaphorin 3F; plus strand). Cytogenetic location: 3p21.31.
Variant type: single nucleotide variant.
Coding change: c.368A>G on transcript NM_004186.5 (MANE Select); coding-DNA position 368, A replaced by G.
Protein change: p.Gln123Arg; replaces glutamine 123 with arginine.
Molecular consequence: missense variant.
Genome position (GRCh38, 1-based): chr3:50,174,262, A>G. VCF-style: chr3-50174262-A-G. GRCh37 (hg19) VCF-style: chr3-50211695-A-G.
Other names: c.164A>G, p.Gln55Arg (NM_001318798.2); c.368A>G, p.Gln123Arg (NM_001318800.2); c.368A>G (NM_004186.4); short protein forms Q123R, Q55R.
Identifiers: ClinVar variation 2243902 (VCV002243902.5), dbSNP rs112128203, ClinGen allele CA2411742.
Genomic context (GRCh38, chr3:50,174,262, plus strand): 5'-CACCTATGCAGCCTTCCCTGTGGCCCCAGGGCGAGTGTGGGAACTTCGTCAGGCTCATCC[A>G]GCCCTGGAACCGAACACACCTGTATGTGTGCGGGACAGGTGCCTACAACCCCATGTGCAC-3'
Protein context (NP_004177.3, residues 113-133): GECGNFVRLI[Gln123Arg]PWNRTHLYVC